The following is an entry in ClinVar:

NM_014727.3(KMT2B):c.1875T>C (p.Pro625=)

Gene: KMT2B (lysine methyltransferase 2B; plus strand). Cytogenetic location: 19q13.12.
Variant type: single nucleotide variant.
Coding change: c.1875T>C on transcript NM_014727.3 (MANE Select); coding-DNA position 1875, T replaced by C.
Protein change: p.Pro625=; no amino-acid change (proline 625 retained).
Molecular consequence: synonymous variant.
Genome position (GRCh38, 1-based): chr19:35,721,222, T>C. VCF-style: chr19-35721222-T-C. GRCh37 (hg19) VCF-style: chr19-36212124-T-C.
Identifiers: ClinVar variation 3037993 (VCV003037993.3), dbSNP rs931049360, ClinGen allele CA307783300.

ClinVar aggregate classification (germline): Likely benign. Review status: criteria provided, single submitter (1 of 4 stars). 2 submissions from 2 submitters: Likely benign (1). 1 of the submissions does not count toward it. Last evaluated 2025-09-14.

Conditions:
KMT2B-related disorder. Also called: KMT2B-related condition; KMT2B-related disorders. Identifiers: MedGen CN381338.

Submissions (2):

Labcorp Genetics (formerly Invitae), Labcorp
Classification: Likely benign. Last evaluated: 2025-09-14. Review status: criteria provided, single submitter. Criteria: Invitae Variant Classification Sherloc (09022015). Collection method: clinical testing. Allele origin: germline.

PreventionGenetics, part of Exact Sciences
Classification: Benign for KMT2B-related condition. Last evaluated: 2019-08-27. Review status: no assertion criteria provided. Collection method: clinical testing. Allele origin: germline. Not counted in ClinVar's aggregate classification.
Comment: This variant is classified as benign based on ACMG/AMP sequence variant interpretation guidelines (Richards et al. 2015 PMID: 25741868, with internal and published modifications).